The following is an entry in ClinVar:

NM_000059.4(BRCA2):c.918_919del (p.Asp306fs)

Gene: BRCA2 (BRCA2 DNA repair associated; plus strand). Cytogenetic location: 13q13.1.
Variant type: Deletion.
Coding change: c.918_919del on transcript NM_000059.4 (MANE Select); coding-DNA positions 918 to 919, 2 bases deleted (TA; older notation c.918_919delTA).
Protein change: p.Asp306fs; shifts the reading frame from aspartic acid 306.
Molecular consequence: frameshift variant.
Genome position (GRCh38, 1-based): chr13:32,332,396-32,332,397, TA deleted; deleting any 2 consecutive bases within chr13:32,332,395-32,332,397 gives the same sequence; the c. name uses the placement nearest the transcript's 3' end. VCF-style (leftmost placement, unchanged base first): chr13-32332394-GAT-G. GRCh37 (hg19) VCF-style: chr13-32906531-GAT-G.
Other names: c.918_919delTA (NM_000059.3); short protein forms D306fs.
Identifiers: ClinVar variation 531210 (VCV000531210.9), dbSNP rs1555281631, ClinGen allele CA658798114.

ClinVar aggregate classification (germline): Pathogenic. Review status: criteria provided, multiple submitters, no conflicts (2 of 4 stars). 3 submissions from 3 submitters: Pathogenic (3). Last evaluated 2024-10-30.

Conditions:
Hereditary cancer-predisposing syndrome. Also called: Hereditary neoplastic syndrome; Hereditary Cancer Syndrome; Neoplastic Syndromes, Hereditary; Tumor predisposition. Identifiers: Orphanet 140162, MedGen C0027672, MeSH D009386, MONDO:0015356.
Hereditary breast ovarian cancer syndrome. Also called: Hereditary breast and ovarian cancer syndrome (HBOC); BRCA1- and BRCA2-Associated Hereditary Breast and Ovarian Cancer; Hereditary breast and/or ovarian cancer syndrome; Hereditary breast and ovarian cancer syndrome; Hereditary breast and ovarian cancer; Breast and ovarian cancer. Identifiers: Orphanet 145, MedGen C0677776, MeSH D061325, MONDO:0003582. Disease mechanism: loss of function.
BRCA2-related disorder. Also called: BRCA2-related condition; BRCA2-related disorders. Identifiers: MedGen CN239275.

Submissions (3):

PreventionGenetics, part of Exact Sciences
Classification: Pathogenic for BRCA2-related condition. Last evaluated: 2024-10-30. Review status: criteria provided, single submitter. Criteria: ACMG Guidelines, 2015. Collection method: clinical testing. Allele origin: germline.
Comment: The BRCA2 c.918_919delTA variant is predicted to result in a frameshift and premature protein termination (p.Asp306Glufs*8). To our knowledge, this variant has not been reported in the literature or in a large population database (gnomAD), indicating this variant is rare. Frameshift variants in BRCA2 are expected to be pathogenic. This variant has an interpretation of pathogenic in ClinVar. This variant is interpreted as pathogenic.

Color Diagnostics, LLC DBA Color Health
Classification: Pathogenic for Hereditary cancer-predisposing syndrome. Last evaluated: 2022-11-15. Review status: criteria provided, single submitter. Criteria: ACMG Guidelines, 2015. Collection method: clinical testing. Allele origin: germline.
Comment: This variant deletes 2 nucleotides in exon 10 of the BRCA2 gene, creating a frameshift and premature translation stop signal. This variant is expected to result in an absent or non-functional protein product. To our knowledge, this variant has not been reported in individuals affected with BRCA2-related disorders in the literature. This variant has not been identified in the general population by the Genome Aggregation Database (gnomAD). Loss of BRCA2 function is a known mechanism of disease. Based on the available evidence, this variant is classified as Pathogenic.

Labcorp Genetics (formerly Invitae), Labcorp
Classification: Pathogenic for Hereditary breast ovarian cancer syndrome. Last evaluated: 2017-09-25. Review status: criteria provided, single submitter. Criteria: Invitae Variant Classification Sherloc (09022015). Collection method: clinical testing. Allele origin: germline.
Comment: For these reasons, this variant has been classified as Pathogenic. Loss-of-function variants in BRCA2 are known to be pathogenic (PMID: 20104584). This variant has not been reported in the literature in individuals with BRCA2-related disease. This variant is not present in population databases (ExAC no frequency). This sequence change creates a premature translational stop signal (p.Asp306Glufs*8) in the BRCA2 gene. It is expected to result in an absent or disrupted protein product.

Literature cited by the submitters: PubMed 20104584 (cited by Labcorp Genetics (formerly Invitae), Labcorp).